The following is an entry in ClinVar:

NM_000059.4(BRCA2):c.7701T>G (p.Tyr2567Ter)

Gene: BRCA2 (BRCA2 DNA repair associated; plus strand). Cytogenetic location: 13q13.1.
Variant type: single nucleotide variant.
Coding change: c.7701T>G on transcript NM_000059.4 (MANE Select); coding-DNA position 7701, T replaced by G.
Protein change: p.Tyr2567Ter; replaces tyrosine 2567 with a stop codon.
Molecular consequence: nonsense.
Genome position (GRCh38, 1-based): chr13:32,357,825, T>G. VCF-style: chr13-32357825-T-G. GRCh37 (hg19) VCF-style: chr13-32931962-T-G.
Other names: short protein forms Y2567*.
Identifiers: ClinVar variation 1330066 (VCV001330066.3), dbSNP rs1555286423, ClinGen allele CA387745258.

ClinVar aggregate classification (germline): Pathogenic/Likely pathogenic. Review status: criteria provided, multiple submitters, no conflicts (2 of 4 stars). 2 submissions from 2 submitters: Pathogenic (1); Likely pathogenic (1). Last evaluated 2021-01-19.

Conditions:
Hereditary cancer-predisposing syndrome. Also called: Hereditary Cancer Syndrome; Tumor predisposition; Neoplastic Syndromes, Hereditary; Hereditary neoplastic syndrome. Identifiers: Orphanet 140162, MedGen C0027672, MeSH D009386, MONDO:0015356.

Submissions (2):

Ambry Genetics
Classification: Pathogenic for Hereditary cancer-predisposing syndrome. Last evaluated: 2021-01-19. Review status: criteria provided, single submitter. Criteria: Ambry Variant Classification Scheme 2023. Collection method: clinical testing. Allele origin: germline.
Comment: The p.Y2567* pathogenic mutation (also known as c.7701T>G), located in coding exon 15 of the BRCA2 gene, results from a T to G substitution at nucleotide position 7701. This changes the amino acid from a tyrosine to a stop codon within coding exon 15. This alteration is expected to result in loss of function by premature protein truncation or nonsense-mediated mRNA decay. As such, this alteration is interpreted as a disease-causing mutation.

Quest Diagnostics Nichols Institute San Juan Capistrano
Classification: Likely pathogenic. Last evaluated: 2021-01-19. Review status: criteria provided, single submitter. Criteria: Quest Diagnostics criteria. Collection method: clinical testing. Allele origin: unknown.
Comment: This nonsense variant is predicted to cause the premature termination of BRCA2 protein synthesis. To the best of our knowledge, the variant has not been reported in the published literature. This variant has not been reported in large, multi-ethnic general populations. Based on the available information, we predict that the variant is likely pathogenic.